The following is an entry in ClinVar:

ClinVar aggregate classification (germline): Uncertain significance (1 of 4 stars; one submission).

Submission:

Labcorp Genetics (formerly Invitae), Labcorp
Classification: Uncertain significance. Last evaluated: 2022-05-27. Review status: criteria provided, single submitter. Criteria: Invitae Variant Classification Sherloc (09022015). Collection method: clinical testing. Allele origin: germline.
Comment: In summary, the available evidence is currently insufficient to determine the role of this variant in disease. Therefore, it has been classified as a Variant of Uncertain Significance. Algorithms developed to predict the effect of missense changes on protein structure and function (SIFT, PolyPhen-2, Align-GVGD) all suggest that this variant is likely to be tolerated. This variant has not been reported in the literature in individuals affected with SPEG-related conditions. This variant is not present in population databases (gnomAD no frequency). This sequence change replaces alanine, which is neutral and non-polar, with serine, which is neutral and polar, at codon 452 of the SPEG protein (p.Ala452Ser).

NM_005876.5(SPEG):c.1354G>T (p.Ala452Ser)

Gene: SPEG (striated muscle enriched protein kinase; plus strand). Cytogenetic location: 2q35.
Variant type: single nucleotide variant.
Coding change: c.1354G>T on transcript NM_005876.5 (MANE Select); coding-DNA position 1354, G replaced by T.
Protein change: p.Ala452Ser; replaces alanine 452 with serine.
Molecular consequence: missense variant.
Genome position (GRCh38, 1-based): chr2:219,448,512, G>T. VCF-style: chr2-219448512-G-T. GRCh37 (hg19) VCF-style: chr2-220313234-G-T.
Other names: short protein forms A452S.
Identifiers: ClinVar variation 1383814 (VCV001383814.6), dbSNP rs1302346799, ClinGen allele CA350718923.